The following is an entry in ClinVar:

ClinVar aggregate classification (germline): Benign/Likely benign. Review status: criteria provided, multiple submitters, no conflicts (2 of 4 stars). 8 submissions from 8 submitters: Benign (1); Likely benign (7). Last evaluated 2026-07-01.

Conditions:
Familial adenomatous polyposis 1 (FAP1). Also called: FAMILIAL ADENOMATOUS POLYPOSIS 1, ATTENUATED; POLYPOSIS, ADENOMATOUS INTESTINAL. Identifiers: MedGen C2713442, MONDO:0021056, OMIM 175100. Disease mechanism: loss of function.
APC-related disorder. Also called: APC-related condition.
Hereditary cancer-predisposing syndrome. Also called: Hereditary neoplastic syndrome; Neoplastic Syndromes, Hereditary; Hereditary Cancer Syndrome; Tumor predisposition. Identifiers: Orphanet 140162, MedGen C0027672, MeSH D009386, MONDO:0015356.

gnomAD v4.1: 1 of 1,613,520 alleles (0.000062%); highest among the groups gnomAD compares: Admixed American, 0.0017%; no homozygotes.

Submissions (8):

CeGaT Center for Human Genetics Tuebingen
Classification: Likely benign. Last evaluated: 2026-07-01. Review status: criteria provided, single submitter. Criteria: CeGaT Center For Human Genetics Tuebingen Variant Classification Criteria Version 2. Collection method: clinical testing. Allele origin: germline. Affected: yes. Observed: 1 variant allele.
Comment: APC: BP4, BP7

Labcorp Genetics (formerly Invitae), Labcorp
Classification: Likely benign for Familial adenomatous polyposis 1. Last evaluated: 2026-01-02. Review status: criteria provided, single submitter. Criteria: Invitae Variant Classification Sherloc (09022015). Collection method: clinical testing. Allele origin: germline.

PreventionGenetics, part of Exact Sciences
Classification: Likely benign for APC-related condition. Last evaluated: 2025-09-16. Review status: criteria provided, single submitter. Criteria: ACMG Guidelines, 2015. Collection method: clinical testing. Allele origin: germline.
Comment: This variant is classified as likely benign based on ACMG/AMP sequence variant interpretation guidelines (Richards et al. 2015 PMID: 25741868, with internal and published modifications).

Quest Diagnostics Nichols Institute San Juan Capistrano
Classification: Likely benign. Last evaluated: 2025-09-05. Review status: criteria provided, single submitter. Criteria: Quest Diagnostics criteria. Collection method: clinical testing. Allele origin: unknown.

Myriad Genetics, Inc.
Classification: Benign for Familial adenomatous polyposis 1. Last evaluated: 2024-04-03. Review status: criteria provided, single submitter. Criteria: Myriad Autosomal Dominant, Autosomal Recessive and X-Linked Classification Criteria (2023). Collection method: clinical testing. Allele origin: unknown.
Comment: This variant is considered benign. This variant is a silent/synonymous amino acid change and it is not expected to impact splicing.

GeneDx
Classification: Likely benign. Last evaluated: 2019-09-12. Review status: criteria provided, single submitter. Criteria: GeneDx Variant Classification Process June 2021. Collection method: clinical testing. Allele origin: germline. Affected: yes.

Ambry Genetics
Classification: Likely benign for Hereditary cancer-predisposing syndrome. Last evaluated: 2019-08-08. Review status: criteria provided, single submitter. Criteria: Ambry Variant Classification Scheme 2023. Collection method: clinical testing. Allele origin: germline.

Color Diagnostics, LLC DBA Color Health
Classification: Likely benign for Hereditary cancer-predisposing syndrome. Last evaluated: 2017-08-21. Review status: criteria provided, single submitter. Criteria: ACMG Guidelines, 2015. Collection method: clinical testing. Allele origin: germline.

NM_000038.6(APC):c.6012A>G (p.Ala2004=)

Gene: APC (APC regulator of Wnt signaling pathway; plus strand). Cytogenetic location: 5q22.2.
Variant type: single nucleotide variant.
Coding change: c.6012A>G on transcript NM_000038.6 (MANE Select); coding-DNA position 6012, A replaced by G.
Protein change: p.Ala2004=; no amino-acid change (alanine 2004 retained).
Molecular consequence: synonymous variant.
Genome position (GRCh38, 1-based): chr5:112,841,606, A>G. VCF-style: chr5-112841606-A-G. GRCh37 (hg19) VCF-style: chr5-112177303-A-G.
Other names: c.6012A>G, p.Ala2004= (NM_001127510.3, NM_001354895.2); c.5958A>G, p.Ala1986= (NM_001127511.3); c.6066A>G, p.Ala2022= (NM_001354896.2); c.6042A>G, p.Ala2014= (NM_001354897.2); c.5937A>G, p.Ala1979= (NM_001354898.2); c.5928A>G, p.Ala1976= (NM_001354899.2); c.5889A>G, p.Ala1963= (NM_001354900.2); c.5835A>G, p.Ala1945= (NM_001354901.2); and 5 more.
Identifiers: ClinVar variation 384019 (VCV000384019.25), dbSNP rs1057521822, ClinGen allele CA16604758.